The following is an entry in ClinVar:

ClinVar aggregate classification (germline): Uncertain significance (1 of 4 stars; one submission).

Allele frequency attached by ClinVar (database versions not stated): gnomAD exomes below 0.00001.
gnomAD v4.1: 1 of 1,614,102 alleles (0.000062%); highest among the groups gnomAD compares: Non-Finnish European, 0.000085%; no homozygotes.

Submission:

Labcorp Genetics (formerly Invitae), Labcorp
Classification: Uncertain significance. Last evaluated: 2022-03-01. Review status: criteria provided, single submitter. Criteria: Invitae Variant Classification Sherloc (09022015). Collection method: clinical testing. Allele origin: germline.
Comment: In summary, the available evidence is currently insufficient to determine the role of this variant in disease. Therefore, it has been classified as a Variant of Uncertain Significance. Algorithms developed to predict the effect of missense changes on protein structure and function are either unavailable or do not agree on the potential impact of this missense change (SIFT: "Deleterious"; PolyPhen-2: "Not Available"; Align-GVGD: "Class C15"). This variant has not been reported in the literature in individuals affected with MYO15A-related conditions. This variant is not present in population databases (gnomAD no frequency). This sequence change replaces asparagine, which is neutral and polar, with aspartic acid, which is acidic and polar, at codon 1719 of the MYO15A protein (p.Asn1719Asp).

NM_016239.4(MYO15A):c.5155A>G (p.Asn1719Asp)

Gene: MYO15A (myosin XVA; plus strand). Cytogenetic location: 17p11.2.
Variant type: single nucleotide variant.
Coding change: c.5155A>G on transcript NM_016239.4 (MANE Select); coding-DNA position 5155, A replaced by G.
Protein change: p.Asn1719Asp; replaces asparagine 1719 with aspartic acid.
Molecular consequence: missense variant.
Genome position (GRCh38, 1-based): chr17:18,139,555, A>G. VCF-style: chr17-18139555-A-G. GRCh37 (hg19) VCF-style: chr17-18042869-A-G.
Other names: short protein forms N1719D.
Identifiers: ClinVar variation 2091892 (VCV002091892.4), dbSNP rs2545249746, ClinGen allele CA398599149.